The following is an entry in ClinVar:

ClinVar aggregate classification (germline): Uncertain significance (1 of 4 stars; one submission).

Conditions:
Familial adenomatous polyposis 1 (FAP1). Also called: FAMILIAL ADENOMATOUS POLYPOSIS 1, ATTENUATED; POLYPOSIS, ADENOMATOUS INTESTINAL. Identifiers: MedGen C2713442, MONDO:0021056, OMIM 175100. Disease mechanism: loss of function.

Submission:

Labcorp Genetics (formerly Invitae), Labcorp
Classification: Uncertain significance for Familial adenomatous polyposis 1. Last evaluated: 2025-09-23. Review status: criteria provided, single submitter. Criteria: Invitae Variant Classification Sherloc (09022015). Collection method: clinical testing. Allele origin: germline.
Comment: This variant occurs in a non-coding region of the APC gene. It does not change the encoded amino acid sequence of the APC protein. This variant is not present in population databases (gnomAD no frequency). This variant has not been reported in the literature in individuals affected with APC-related conditions. Experimental studies and prediction algorithms are not available or were not evaluated, and the functional significance of this variant is currently unknown. In summary, the available evidence is currently insufficient to determine the role of this variant in disease. Therefore, it has been classified as a Variant of Uncertain Significance.

NC_000005.10:g.112707381C>T

Gene: APC (APC regulator of Wnt signaling pathway; plus strand). Cytogenetic location: 5q22.2.
Variant type: single nucleotide variant.
Genome position: GRCh38 VCF-style: chr5-112707381-C-T. GRCh37 (hg19) VCF-style: chr5-112043078-C-T.
Identifiers: ClinVar variation 3693918 (VCV003693918.2).
Genomic context (GRCh38, chr5:112,707,381, plus strand): 5'-AATTCAGAGAAGGCCAGTAAGTGCTGCAACTGAGACTCGGCTGCCTAGGCAGCAATGGCT[C>T]ACGGGACAGAACAGCGAAGCAGTGCCCGGCAAGCGGAGCGCAGCACCCATTGCGCCTGCG-3'